The following is an entry in ClinVar:

ClinVar aggregate classification (germline): Uncertain significance (1 of 4 stars; one submission).

Conditions:
Vici syndrome (VICIS). Identifiers: Orphanet 1493, MedGen C1855772, MONDO:0009452, OMIM 242840.

Allele frequency attached by ClinVar (database versions not stated): TOPMed below 0.00001; gnomAD 0.00001.
gnomAD v4.1: 8 of 1,613,620 alleles (0.0005%); highest among the groups gnomAD compares: Non-Finnish European, 0.00068%; no homozygotes.

Submission:

Labcorp Genetics (formerly Invitae), Labcorp
Classification: Uncertain significance for Vici syndrome. Last evaluated: 2021-09-02. Review status: criteria provided, single submitter. Criteria: Invitae Variant Classification Sherloc (09022015). Collection method: clinical testing. Allele origin: germline.
Comment: This sequence change replaces proline with leucine at codon 1137 of the EPG5 protein (p.Pro1137Leu). The proline residue is moderately conserved and there is a moderate physicochemical difference between proline and leucine. This variant is not present in population databases (ExAC no frequency). This variant has not been reported in the literature in individuals affected with EPG5-related conditions. Algorithms developed to predict the effect of missense changes on protein structure and function output the following: SIFT: "Tolerated"; PolyPhen-2: "Probably Damaging"; Align-GVGD: "Class C0". The leucine amino acid residue is found in multiple mammalian species, which suggests that this missense change does not adversely affect protein function. In summary, the available evidence is currently insufficient to determine the role of this variant in disease. Therefore, it has been classified as a Variant of Uncertain Significance.

NM_020964.3(EPG5):c.3410C>T (p.Pro1137Leu)

Gene: EPG5 (ectopic P-granules 5 autophagy tethering factor; minus strand). Cytogenetic location: 18q21.1.
Variant type: single nucleotide variant.
Coding change: c.3410C>T on transcript NM_020964.3 (MANE Select); coding-DNA position 3410, C replaced by T.
Protein change: p.Pro1137Leu; replaces proline 1137 with leucine.
Molecular consequence: missense variant.
Genome position (GRCh38, 1-based): chr18:45,916,181, G>A on the plus strand (C>T on the coding strand, the complement: EPG5 is on the minus strand). VCF-style: chr18-45916181-G-A. GRCh37 (hg19) VCF-style: chr18-43496146-G-A.
Other names: short protein forms P1137L.
Identifiers: ClinVar variation 1019384 (VCV001019384.7), dbSNP rs2050027099, ClinGen allele CA402342675.